The following is an entry in ClinVar:

ClinVar aggregate classification (germline): Uncertain significance (1 of 4 stars; one submission).

Conditions:
Methylmalonic acidemia with homocystinuria, type cblJ (MAHCJ). Also called: METHYLMALONIC ACIDURIA AND HOMOCYSTINURIA, cblJ TYPE. Identifiers: Orphanet 369955, MedGen C3553915, MONDO:0013925, OMIM 614857.

Allele frequency attached by ClinVar (database versions not stated): TOPMed below 0.00001; ExAC 0.00001; gnomAD 0.00001; gnomAD exomes 0.00001; 1000 Genomes Project 30x 0.00016; 1000 Genomes Project 0.00020.
gnomAD v4.1: 3 of 1,613,994 alleles (0.00019%); highest among the groups gnomAD compares: South Asian, 0.0011%; no homozygotes.

Submission:

Labcorp Genetics (formerly Invitae), Labcorp
Classification: Uncertain significance for Methylmalonic acidemia with homocystinuria, type cblJ. Last evaluated: 2022-10-13. Review status: criteria provided, single submitter. Criteria: Invitae Variant Classification Sherloc (09022015). Collection method: clinical testing. Allele origin: germline.
Comment: In summary, the available evidence is currently insufficient to determine the role of this variant in disease. Therefore, it has been classified as a Variant of Uncertain Significance. Algorithms developed to predict the effect of sequence changes on RNA splicing suggest that this variant may create or strengthen a splice site. ClinVar contains an entry for this variant (Variation ID: 1038880). This variant has not been reported in the literature in individuals affected with ABCD4-related conditions. This variant is present in population databases (rs546298874, gnomAD 0.003%). This sequence change affects codon 365 of the ABCD4 mRNA. It is a 'silent' change, meaning that it does not change the encoded amino acid sequence of the ABCD4 protein.

NM_005050.4(ABCD4):c.1095C>T (p.Gly365=)

Gene: ABCD4 (ATP binding cassette subfamily D member 4; minus strand). Cytogenetic location: 14q24.3.
Variant type: single nucleotide variant.
Coding change: c.1095C>T on transcript NM_005050.4 (MANE Select); coding-DNA position 1095, C replaced by T.
Protein change: p.Gly365=; no amino-acid change (glycine 365 retained).
Molecular consequence: synonymous variant. On other transcripts: non-coding transcript variant (10).
Genome position (GRCh38, 1-based): chr14:74,292,310, G>A on the plus strand (C>T on the coding strand, the complement: ABCD4 is on the minus strand). VCF-style: chr14-74292310-G-A. GRCh37 (hg19) VCF-style: chr14-74759013-G-A.
Other names: c.969C>T, p.Gly323= (NM_001353591.2, NM_001353592.2); c.834C>T, p.Gly278= (NM_001353593.2); c.783C>T, p.Gly261= (NM_001353594.2); c.681C>T, p.Gly227= (NM_001353595.2, NM_001353596.2); c.630C>T, p.Gly210= (NM_001353597.2); c.618C>T, p.Gly206= (NM_001353598.2, NM_001353599.2, NM_001353600.2 and 2 more transcripts); c.306C>T, p.Gly102= (NM_001353602.2, NM_001353603.2, NM_001353604.2 and 6 more transcripts); c.1095C>T, p.Gly365= (NM_020325.3).
Identifiers: ClinVar variation 1038880 (VCV001038880.9), dbSNP rs546298874, ClinGen allele CA7266937.
Genomic context (GRCh38, chr14:74,292,310, plus strand): 5'-GCAGCCTCAACTACTGCTCTGCCAGCCCGCTACTCACGTGTCCAAGCCCCACTCGCTCTC[G>A]CCCAGGATCTCGCAGTCCTGTGACTTCAGGGACATGTCCAGAAGCGTCTCCCGAAGCTGC-3'
Protein context (NP_005041.1, residues 355-375): SLKSQDCEIL[Gly365=]ESEWGLDTPP